The following is an entry in ClinVar:

ClinVar aggregate classification (germline): Benign. Review status: criteria provided, multiple submitters, no conflicts (2 of 4 stars). 4 submissions from 4 submitters: Benign (4). Last evaluated 2026-02-02.

Conditions:
Retinal dystrophy. Also called: Inherited retinal dystrophy. Identifiers: Orphanet 71862, MedGen C0854723, MeSH D058499, MONDO:0019118, HP:0000556.
Retinitis pigmentosa (RP). Identifiers: Orphanet 791, MedGen C0035334, MeSH D012174, MONDO:0019200, OMIM 268000. Inheritance: Autosomal dominant, autosomal recessive and X linked inheritance.

Allele frequency attached by ClinVar (database versions not stated): 1000 Genomes Project 0.02656; 1000 Genomes Project 30x 0.02780; ESP Exome Variant Server 0.02783; gnomAD 0.03204 and 0.03244; TOPMed 0.03284; gnomAD exomes 0.04242 and 0.04813; ExAC 0.04468.
gnomAD v4.1: 66,595 of 1,614,000 alleles (4.1%); highest among the groups gnomAD compares: Admixed American, 10%; 1,686 homozygotes.

Submissions (4):

Labcorp Genetics (formerly Invitae), Labcorp
Classification: Benign. Last evaluated: 2026-02-02. Review status: criteria provided, single submitter. Criteria: Invitae Variant Classification Sherloc (09022015). Collection method: clinical testing. Allele origin: germline.

Dept Of Ophthalmology, Nagoya University
Classification: Benign for Retinal dystrophy. Last evaluated: 2023-10-01. Review status: criteria provided, single submitter. Criteria: Submitter's publication. Collection method: research. Allele origin: germline. Affected: yes.

Illumina Laboratory Services, Illumina
Classification: Benign for Retinitis pigmentosa. Last evaluated: 2018-01-13. Review status: criteria provided, single submitter. Criteria: ICSL Variant Classification Criteria 13 December 2019. Collection method: clinical testing. Allele origin: germline.
Comment: This variant was observed in the ICSL laboratory as part of a predisposition screen in an ostensibly healthy population. It had not been previously curated by ICSL or reported in the Human Gene Mutation Database (HGMD: prior to June 1st, 2018), and was therefore a candidate for classification through an automated scoring system. Utilizing variant allele frequency, disease prevalence and penetrance estimates, and inheritance mode, an automated score was calculated to assess if this variant is too frequent to cause the disease. Based on the score and internal cut-off values, a variant classified as benign is not then subjected to further curation. The score for this variant resulted in a classification of benign for this disease.

GeneDx
Classification: Benign. Last evaluated: 2011-08-10. Review status: criteria provided, single submitter. Criteria: GeneDx Variant Classification (06012015). Collection method: clinical testing. Allele origin: germline. Affected: yes.
Comment: This variant is considered likely benign or benign based on one or more of the following criteria: it is a conservative change, it occurs at a poorly conserved position in the protein, it is predicted to be benign by multiple in silico algorithms, and/or has population frequency not consistent with disease.

NM_000440.3(PDE6A):c.1791C>T (p.Phe597=)

Gene: PDE6A (phosphodiesterase 6A; minus strand). Cytogenetic location: 5q32.
Variant type: single nucleotide variant.
Coding change: c.1791C>T on transcript NM_000440.3 (MANE Select); coding-DNA position 1791, C replaced by T.
Protein change: p.Phe597=; no amino-acid change (phenylalanine 597 retained).
Molecular consequence: synonymous variant.
Genome position (GRCh38, 1-based): chr5:149,886,312, G>A on the plus strand (C>T on the coding strand, the complement: PDE6A is on the minus strand). VCF-style: chr5-149886312-G-A. GRCh37 (hg19) VCF-style: chr5-149265875-G-A.
Other names: p.F597F:TTC>TTT.
Identifiers: ClinVar variation 138634 (VCV000138634.14), dbSNP rs61733360, ClinGen allele CA292707.